The following is an entry in ClinVar:

NM_005228.5(EGFR):c.1622T>G (p.Leu541Arg)

Gene: EGFR (epidermal growth factor receptor; plus strand). Cytogenetic location: 7p11.2.
Variant type: single nucleotide variant.
Coding change: c.1622T>G on transcript NM_005228.5 (MANE Select); coding-DNA position 1622, T replaced by G.
Protein change: p.Leu541Arg; replaces leucine 541 with arginine.
Molecular consequence: missense variant.
Genome position (GRCh38, 1-based): chr7:55,161,622, T>G. VCF-style: chr7-55161622-T-G. GRCh37 (hg19) VCF-style: chr7-55229315-T-G.
Other names: c.1622T>G (NM_005228.3); c.1487T>G, p.Leu496Arg (NM_001346897.2, NM_001346899.2); c.1622T>G, p.Leu541Arg (NM_001346898.2, NM_201282.2, NM_201284.2); c.1463T>G, p.Leu488Arg (NM_001346900.2); c.821T>G, p.Leu274Arg (NM_001346941.2); short protein forms L488R, L274R, L496R, L541R.
Identifiers: ClinVar variation 1414830 (VCV001414830.7), dbSNP rs2128943087, ClinGen allele CA367580030.

ClinVar aggregate classification (germline): Uncertain significance. Review status: criteria provided, multiple submitters, no conflicts (2 of 4 stars). 2 submissions from 2 submitters: Uncertain significance (2). Last evaluated 2025-01-21.

Conditions:
EGFR-related lung cancer (EGFR). Identifiers: MedGen CN130014.
Hereditary cancer-predisposing syndrome. Also called: Hereditary Cancer Syndrome; Tumor predisposition; Hereditary neoplastic syndrome; Neoplastic Syndromes, Hereditary. Identifiers: Orphanet 140162, MedGen C0027672, MeSH D009386, MONDO:0015356.

Allele frequency attached by ClinVar (database versions not stated): gnomAD exomes below 0.00001.
gnomAD v4.1: 1 of 1,614,276 alleles (0.000062%); highest among the groups gnomAD compares: Non-Finnish European, 0.000085%; no homozygotes.

Submissions (2):

Ambry Genetics
Classification: Uncertain significance for Hereditary cancer-predisposing syndrome. Last evaluated: 2025-01-21. Review status: criteria provided, single submitter. Criteria: Ambry Variant Classification Scheme 2023. Collection method: clinical testing. Allele origin: germline.
Comment: The p.L541R variant (also known as c.1622T>G), located in coding exon 13 of the EGFR gene, results from a T to G substitution at nucleotide position 1622. The leucine at codon 541 is replaced by arginine, an amino acid with dissimilar properties. This amino acid position is conserved. In addition, this alteration is predicted to be tolerated by in silico analysis. Based on the available evidence, the clinical significance of this variant remains unclear.

Labcorp Genetics (formerly Invitae), Labcorp
Classification: Uncertain significance for EGFR-related lung cancer. Last evaluated: 2024-11-05. Review status: criteria provided, single submitter. Criteria: Invitae Variant Classification Sherloc (09022015). Collection method: clinical testing. Allele origin: germline.
Comment: This sequence change replaces leucine, which is neutral and non-polar, with arginine, which is basic and polar, at codon 541 of the EGFR protein (p.Leu541Arg). This variant is not present in population databases (gnomAD no frequency). This variant has not been reported in the literature in individuals affected with EGFR-related conditions. ClinVar contains an entry for this variant (Variation ID: 1414830). Invitae Evidence Modeling of protein sequence and biophysical properties (such as structural, functional, and spatial information, amino acid conservation, physicochemical variation, residue mobility, and thermodynamic stability) indicates that this missense variant is not expected to disrupt EGFR protein function with a negative predictive value of 80%. In summary, the available evidence is currently insufficient to determine the role of this variant in disease. Therefore, it has been classified as a Variant of Uncertain Significance.